The following is an entry in ClinVar:

ClinVar aggregate classification (germline): Conflicting classifications of pathogenicity. Review status: criteria provided, conflicting classifications (1 of 4 stars). 7 submissions from 6 submitters: Uncertain significance (2); Likely benign (5). Last evaluated 2026-06-01.

Conditions:
Cardiovascular phenotype. Identifiers: MedGen CN230736.
RASopathy. Also called: rasopathies; Noonan spectrum disorder. Identifiers: Orphanet 536391, MedGen C5555857, MONDO:0021060.
LEOPARD syndrome 2 (LPRD2). Also called: RAF1-Related LEOPARD Syndrome. Identifiers: Orphanet 500, MedGen C1969056, MONDO:0012691, OMIM 611554.
Noonan syndrome 5 (NS5). Also called: RAF1-Related Noonan Syndrome. Identifiers: Orphanet 648, MedGen C1969057, MONDO:0012690, OMIM 611553. Disease mechanism: gain of function.

Allele frequency attached by ClinVar (database versions not stated): gnomAD exomes below 0.00001 and 0.00002.
gnomAD v4.1: 9 of 1,614,196 alleles (0.00056%); highest among the groups gnomAD compares: Non-Finnish European, 0.00076%; no homozygotes.

Submissions (7):

CeGaT Center for Human Genetics Tuebingen
Classification: Likely benign. Last evaluated: 2026-06-01. Review status: criteria provided, single submitter. Criteria: CeGaT Center For Human Genetics Tuebingen Variant Classification Criteria Version 2. Collection method: clinical testing. Allele origin: germline. Affected: yes. Observed: 1 variant allele.
Comment: RAF1: BP4, BP7

Labcorp Genetics (formerly Invitae), Labcorp
Classification: Likely benign for RASopathy. Last evaluated: 2024-04-29. Review status: criteria provided, single submitter. Criteria: Invitae Variant Classification Sherloc (09022015). Collection method: clinical testing. Allele origin: germline.

Ambry Genetics
Classification: Likely benign for Cardiovascular phenotype. Last evaluated: 2023-05-21. Review status: criteria provided, single submitter. Criteria: Ambry Variant Classification Scheme 2023. Collection method: clinical testing. Allele origin: germline.

Women's Health and Genetics/Laboratory Corporation of America, LabCorp
Classification: Likely benign. Last evaluated: 2022-11-28. Review status: criteria provided, single submitter. Criteria: LabCorp Variant Classification Summary - May 2015. Collection method: clinical testing. Allele origin: germline.

Illumina Laboratory Services, Illumina
Classification: Uncertain significance for Noonan syndrome 5. Last evaluated: 2018-01-13. Review status: criteria provided, single submitter. Criteria: ICSL Variant Classification Criteria 13 December 2019. Collection method: clinical testing. Allele origin: germline.

Illumina Laboratory Services, Illumina
Classification: Uncertain significance for LEOPARD syndrome 2. Last evaluated: 2018-01-13. Review status: criteria provided, single submitter. Criteria: ICSL Variant Classification Criteria 13 December 2019. Collection method: clinical testing. Allele origin: germline.

GeneDx
Classification: Likely benign. Last evaluated: 2016-10-07. Review status: criteria provided, single submitter. Criteria: GeneDx Variant Classification (06012015). Collection method: clinical testing. Allele origin: germline. Affected: yes.
Comment: This variant is considered likely benign or benign based on one or more of the following criteria: it is a conservative change, it occurs at a poorly conserved position in the protein, it is predicted to be benign by multiple in silico algorithms, and/or has population frequency not consistent with disease.

NM_002880.4(RAF1):c.21T>C (p.Ala7=)

Gene: RAF1 (Raf-1 proto-oncogene, serine/threonine kinase; minus strand). Cytogenetic location: 3p25.2.
Variant type: single nucleotide variant.
Coding change: c.21T>C on transcript NM_002880.4 (MANE Select); coding-DNA position 21, T replaced by C.
Protein change: p.Ala7=; no amino-acid change (alanine 7 retained).
Molecular consequence: synonymous variant. On other transcripts: 5 prime UTR variant (4), non-coding transcript variant (3).
Genome position (GRCh38, 1-based): chr3:12,618,701, A>G on the plus strand (T>C on the coding strand, the complement: RAF1 is on the minus strand). VCF-style: chr3-12618701-A-G. GRCh37 (hg19) VCF-style: chr3-12660200-A-G.
Other names: c.21T>C, p.Ala7= (NM_001354689.3, NM_001354690.3, NM_001354693.3); c.-110T>C (NM_001354691.3, NM_001354692.3, NM_001354694.3 and 1 more transcripts).
Identifiers: ClinVar variation 343104 (VCV000343104.17), dbSNP rs886057915, ClinGen allele CA10617130.